The following is an entry in ClinVar:

NM_000085.5(CLCNKB):c.1693del (p.Glu565fs)

Genes: CLCNKB (chloride voltage-gated channel Kb; plus strand), LOC106501713 (CLCNKB recombination region; plus strand). Cytogenetic location: 1p36.13.
Variant type: Deletion.
Coding change: c.1693del on transcript NM_000085.5 (MANE Select); coding-DNA position 1693, one base deleted (G; older notation c.1693delG).
Protein change: p.Glu565fs; shifts the reading frame from glutamic acid 565.
Molecular consequence: frameshift variant.
Genome position (GRCh38, 1-based): chr1:16,053,709, G deleted; the last of 2 consecutive G bases (chr1:16,053,708-16,053,709); deleting either gives the same sequence. VCF-style (leftmost placement, unchanged base first): chr1-16053707-TG-T. GRCh37 (hg19) VCF-style: chr1-16380202-TG-T.
Other names: c.1186del, p.Glu396fs (NM_001165945.2); short protein forms E565fs, E396fs.
Identifiers: ClinVar variation 235350 (VCV000235350.7), dbSNP rs767271426, ClinGen allele CA623982.

ClinVar aggregate classification (germline): Pathogenic. Review status: criteria provided, multiple submitters, no conflicts (2 of 4 stars). 3 submissions from 3 submitters: Pathogenic (3). Last evaluated 2022-07-01.

Conditions:
Bartter disease type 4B. Also called: BARTTER SYNDROME, TYPE 4B; BARTTER SYNDROME, TYPE 4B, NEONATAL, WITH SENSORINEURAL DEAFNESS; Bartter syndrome, type 4b, digenic. Identifiers: Orphanet 112, MedGen C4310805, MONDO:0000909, OMIM 613090.
Bartter disease type 3. Also called: Bartter syndrome type 3. Identifiers: Orphanet 112, Orphanet 93605, MedGen C1846343, MONDO:0011822, OMIM 607364.

Submissions (3):

Labcorp Genetics (formerly Invitae), Labcorp
Classification: Pathogenic. Last evaluated: 2022-07-01. Review status: criteria provided, single submitter. Criteria: Invitae Variant Classification Sherloc (09022015). Collection method: clinical testing. Allele origin: germline.
Comment: For these reasons, this variant has been classified as Pathogenic. ClinVar contains an entry for this variant (Variation ID: 235350). This premature translational stop signal has been observed in individual(s) with Bartter syndrome and/or Gitelman syndrome (PMID: 28381550, 31672324). This variant is present in population databases (rs767271426, gnomAD 0.004%). This sequence change creates a premature translational stop signal (p.Glu565Argfs*7) in the CLCNKB gene. It is expected to result in an absent or disrupted protein product. Loss-of-function variants in CLCNKB are known to be pathogenic (PMID: 24830959, 26920127, 28381550, 29254190).

Fulgent Genetics
Classification: Pathogenic for Bartter disease type 3; Bartter disease type 4B. Last evaluated: 2021-09-24. Review status: criteria provided, single submitter. Criteria: ACMG Guidelines, 2015. Collection method: clinical testing. Allele origin: unknown.

Center for Pediatric Genomic Medicine, Children's Mercy Hospital and Clinics
Classification: Pathogenic. Last evaluated: 2015-02-09. Review status: criteria provided, single submitter. Criteria: ACMG Guidelines, 2015. Collection method: clinical testing. Allele origin: germline.

Literature cited by the submitters: PubMed 28381550 (cited by Labcorp Genetics (formerly Invitae), Labcorp); PubMed 31672324 (cited by Labcorp Genetics (formerly Invitae), Labcorp); PubMed 24830959 (cited by Labcorp Genetics (formerly Invitae), Labcorp); PubMed 26920127 (cited by Labcorp Genetics (formerly Invitae), Labcorp); PubMed 29254190 (cited by Labcorp Genetics (formerly Invitae), Labcorp).